The following is an entry in ClinVar:

NM_002439.5(MSH3):c.925C>T (p.Gln309Ter)

Genes: MSH3 (mutS homolog 3; plus strand), LOC126807437 (MED14-independent group 3 enhancer GRCh37_chr5:79968379-79969578; plus strand). Cytogenetic location: 5q14.1.
Variant type: single nucleotide variant.
Coding change: c.925C>T on transcript NM_002439.5 (MANE Select); coding-DNA position 925, C replaced by T.
Protein change: p.Gln309Ter; replaces glutamine 309 with a stop codon.
Molecular consequence: nonsense.
Genome position (GRCh38, 1-based): chr5:80,672,756, C>T. VCF-style: chr5-80672756-C-T. GRCh37 (hg19) VCF-style: chr5-79968575-C-T.
Other names: c.925C>T (NM_002439.3); short protein forms Q309*.
Identifiers: ClinVar variation 950457 (VCV000950457.9), dbSNP rs1749751668, ClinGen allele CA360267346.
Genomic context (GRCh38, chr5:80,672,756, plus strand): 5'-TCATTTTTTATCCTTTGATAGCAATATTTCTTATTTTTGTTGAAGGTGGGAGTTGTGAAG[C>T]AAACTGAAACTGCAGCATTAAAGGCCATTGGAGACAACAGAAGTTCACTCTTTTCCCGGA-3'

ClinVar aggregate classification (germline): Pathogenic. Review status: criteria provided, multiple submitters, no conflicts (2 of 4 stars). 2 submissions from 2 submitters: Pathogenic (2). Last evaluated 2026-03-24.

Conditions:
Hereditary cancer-predisposing syndrome. Also called: Hereditary Cancer Syndrome; Neoplastic Syndromes, Hereditary; Tumor predisposition; Hereditary neoplastic syndrome. Identifiers: Orphanet 140162, MedGen C0027672, MeSH D009386, MONDO:0015356.

Submissions (2):

Ambry Genetics
Classification: Pathogenic for Hereditary cancer-predisposing syndrome. Last evaluated: 2026-03-24. Review status: criteria provided, single submitter. Criteria: Ambry Variant Classification Scheme 2023. Collection method: clinical testing. Allele origin: germline.
Comment: The p.Q309* pathogenic mutation (also known as c.925C>T), located in coding exon 6 of the MSH3 gene, results from a C to T substitution at nucleotide position 925. This changes the amino acid from a glutamine to a stop codon within coding exon 6. This variant is considered to be rare based on population cohorts in the Genome Aggregation Database (gnomAD). This alteration is expected to result in loss of function by premature protein truncation or nonsense-mediated mRNA decay. As such, this alteration is interpreted as a disease-causing mutation.

Labcorp Genetics (formerly Invitae), Labcorp
Classification: Pathogenic. Last evaluated: 2024-04-05. Review status: criteria provided, single submitter. Criteria: Invitae Variant Classification Sherloc (09022015). Collection method: clinical testing. Allele origin: germline.
Comment: This sequence change creates a premature translational stop signal (p.Gln309*) in the MSH3 gene. It is expected to result in an absent or disrupted protein product. Loss-of-function variants in MSH3 are known to be pathogenic (PMID: 27476653, 37402566). This variant is not present in population databases (gnomAD no frequency). This variant has not been reported in the literature in individuals affected with MSH3-related conditions. ClinVar contains an entry for this variant (Variation ID: 950457). For these reasons, this variant has been classified as Pathogenic.

Literature cited by the submitters: PubMed 27476653 (cited by Labcorp Genetics (formerly Invitae), Labcorp); PubMed 37402566 (cited by Labcorp Genetics (formerly Invitae), Labcorp).